The following is an entry in ClinVar:

ClinVar aggregate classification (germline): Pathogenic (1 of 4 stars; one submission).

Conditions:
Exostoses, multiple, type 2 (EXT2). Also called: Hereditary Multiple Osteochondromatosis, Type II; EXOSTOSES, MULTIPLE, TYPE II. Identifiers: Orphanet 321, MedGen C1851413, MONDO:0007586, OMIM 133701.

Submission:

Labcorp Genetics (formerly Invitae), Labcorp
Classification: Pathogenic for Exostoses, multiple, type 2. Last evaluated: 2024-01-28. Review status: criteria provided, single submitter. Criteria: Invitae Variant Classification Sherloc (09022015). Collection method: clinical testing. Allele origin: unknown.
Comment: This variant is a gross deletion of the genomic region encompassing exon(s) 2-3 of the EXT2 gene, which includes the initiator codon. This deletion extends beyond the assayed region for this gene and therefore may encompass additional genes. It is expected to result in an absent or disrupted protein product. Loss-of-function variants in EXT2 are known to be pathogenic (PMID: 10679937, 19810120). A similar copy number variant has been observed in individual(s) with multiple osteochondromas (Invitae). For these reasons, this variant has been classified as Pathogenic.

Literature cited by the submitters: PubMed 10679937; PubMed 19810120.

NC_000011.9:g.(?_44129263)_(44130853_?)del

Gene: EXT2 (exostosin glycosyltransferase 2; plus strand). Cytogenetic location: 11p11.2.
Variant type: Deletion.
Identifiers: ClinVar variation 3244621 (VCV003244621.1).